The following is an entry in ClinVar:

ClinVar aggregate classification (germline): Likely benign (0 of 4 stars; one submission).

Conditions:
SCNN1A-related disorder. Also called: SCNN1A-related condition; SCNN1A-related disorders.

gnomAD v4.1: 18 of 1,613,852 alleles (0.0011%); highest among the groups gnomAD compares: African/African-American, 0.024%; no homozygotes.

Submission:

PreventionGenetics, part of Exact Sciences
Classification: Likely benign for SCNN1A-related condition. Last evaluated: 2019-08-05. Review status: no assertion criteria provided. Collection method: clinical testing. Allele origin: germline.
Comment: This variant is classified as likely benign based on ACMG/AMP sequence variant interpretation guidelines (Richards et al. 2015 PMID: 25741868, with internal and published modifications).

NM_001038.6(SCNN1A):c.-54-40T>C

Gene: SCNN1A (sodium channel epithelial 1 subunit alpha; minus strand). Cytogenetic location: 12p13.31.
Variant type: single nucleotide variant.
Coding change: c.-54-40T>C on transcript NM_001038.6 (MANE Select); 40 bases into the intron before 54 bases upstream of the start codon, T replaced by C.
Molecular consequence: intron variant. On other transcripts: synonymous variant (1).
Genome position (GRCh38, 1-based): chr12:6,374,877, A>G on the plus strand (T>C on the coding strand, the complement: SCNN1A is on the minus strand). VCF-style: chr12-6374877-A-G. GRCh37 (hg19) VCF-style: chr12-6484043-A-G.
Other names: c.16-40T>C (NM_001159575.2); c.84T>C, p.Pro28= (NM_001159576.2).
Identifiers: ClinVar variation 3358510 (VCV003358510.1).